The following is an entry in ClinVar:

NM_006267.5(RANBP2):c.1918-3del

Gene: RANBP2 (RAN binding protein 2; plus strand). Cytogenetic location: 2q13.
Variant type: Deletion.
Coding change: c.1918-3del on transcript NM_006267.5 (MANE Select); 3 bases into the intron before coding-DNA position 1918, one base deleted (T; older notation c.1918-3delT).
Molecular consequence: intron variant.
Genome position (GRCh38, 1-based): chr2:108,753,423, T deleted; the last of 3 consecutive T bases (chr2:108,753,421-108,753,423); deleting any one gives the same sequence. VCF-style (leftmost placement, unchanged base first): chr2-108753420-GT-G. GRCh37 (hg19) VCF-style: chr2-109369876-GT-G.
Other names: c.1918-3delT (NM_006267.4).
Identifiers: ClinVar variation 469431 (VCV000469431.5), dbSNP rs1553489983, ClinGen allele CA658657052.

ClinVar aggregate classification (germline): Uncertain significance (1 of 4 stars; one submission).

Conditions:
Familial acute necrotizing encephalopathy (IIAE3). Also called: Susceptibility to Acute Necrotizing Encephalopathy 1; ENCEPHALOPATHY, ACUTE, INFECTION-INDUCED, SUSCEPTIBILITY TO, 3. Identifiers: Orphanet 88619, MedGen C2675556, MONDO:0011953, OMIM 608033.

Submission:

Labcorp Genetics (formerly Invitae), Labcorp
Classification: Uncertain significance for Familial acute necrotizing encephalopathy. Last evaluated: 2023-04-27. Review status: criteria provided, single submitter. Criteria: Invitae Variant Classification Sherloc (09022015). Collection method: clinical testing. Allele origin: germline.
Comment: This variant is not present in population databases (gnomAD no frequency). In summary, the available evidence is currently insufficient to determine the role of this variant in disease. Therefore, it has been classified as a Variant of Uncertain Significance. Variants that disrupt the consensus splice site are a relatively common cause of aberrant splicing (PMID: 17576681, 9536098). Algorithms developed to predict the effect of sequence changes on RNA splicing suggest that this variant is not likely to affect RNA splicing. ClinVar contains an entry for this variant (Variation ID: 469431). This variant has not been reported in the literature in individuals affected with RANBP2-related conditions. This sequence change falls in intron 13 of the RANBP2 gene. It does not directly change the encoded amino acid sequence of the RANBP2 protein. It affects a nucleotide within the consensus splice site.

Literature cited by the submitters: PubMed 17576681; PubMed 9536098.